The following is an entry in ClinVar:

ClinVar aggregate classification (germline): Uncertain significance. Review status: criteria provided, multiple submitters, no conflicts (2 of 4 stars). 2 submissions from 2 submitters: Uncertain significance (2). Last evaluated 2024-06-06.

Conditions:
Hereditary cancer-predisposing syndrome. Also called: Neoplastic Syndromes, Hereditary; Hereditary Cancer Syndrome; Hereditary neoplastic syndrome; Tumor predisposition. Identifiers: Orphanet 140162, MedGen C0027672, MeSH D009386, MONDO:0015356.

Submissions (2):

Ambry Genetics
Classification: Uncertain significance for Hereditary cancer-predisposing syndrome. Last evaluated: 2024-06-06. Review status: criteria provided, single submitter. Criteria: Ambry Variant Classification Scheme 2023. Collection method: clinical testing. Allele origin: germline.
Comment: The p.P2147L variant (also known as c.6440C>T), located in coding exon 46 of the POLE gene, results from a C to T substitution at nucleotide position 6440. The proline at codon 2147 is replaced by leucine, an amino acid with similar properties. This amino acid position is conserved. In addition, the in silico prediction for this alteration is inconclusive. Based on the available evidence, the clinical significance of this variant remains unclear.

Labcorp Genetics (formerly Invitae), Labcorp
Classification: Uncertain significance. Last evaluated: 2022-02-08. Review status: criteria provided, single submitter. Criteria: Invitae Variant Classification Sherloc (09022015). Collection method: clinical testing. Allele origin: germline.
Comment: In summary, the available evidence is currently insufficient to determine the role of this variant in disease. Therefore, it has been classified as a Variant of Uncertain Significance. Algorithms developed to predict the effect of missense changes on protein structure and function are either unavailable or do not agree on the potential impact of this missense change (SIFT: "Deleterious"; PolyPhen-2: "Possibly Damaging"; Align-GVGD: "Class C0"). ClinVar contains an entry for this variant (Variation ID: 540808). This variant has not been reported in the literature in individuals affected with POLE-related conditions. This variant is not present in population databases (gnomAD no frequency). This sequence change replaces proline, which is neutral and non-polar, with leucine, which is neutral and non-polar, at codon 2147 of the POLE protein (p.Pro2147Leu).

NM_006231.4(POLE):c.6440C>T (p.Pro2147Leu)

Gene: POLE (DNA polymerase epsilon, catalytic subunit; minus strand). Cytogenetic location: 12q24.33.
Variant type: single nucleotide variant.
Coding change: c.6440C>T on transcript NM_006231.4 (MANE Select); coding-DNA position 6440, C replaced by T.
Protein change: p.Pro2147Leu; replaces proline 2147 with leucine.
Molecular consequence: missense variant.
Genome position (GRCh38, 1-based): chr12:132,626,208, G>A on the plus strand (C>T on the coding strand, the complement: POLE is on the minus strand). VCF-style: chr12-132626208-G-A. GRCh37 (hg19) VCF-style: chr12-133202794-G-A.
Other names: c.6440C>T (NM_006231.2); short protein forms P2147L.
Identifiers: ClinVar variation 540808 (VCV000540808.9), dbSNP rs1555301218, ClinGen allele CA387367538.
Genomic context (GRCh38, chr12:132,626,208, plus strand): 5'-AGGTCGCGGCAGAAGTTACAGCTGCGGCAGATGACCTCAGGAAGCACGTAGGAGCGGCAG[G>A]GGTCTCGGAACTGGGCCTCCTCGGAGAACTCGCCGACATCCACCAGGCGAAGCAGGTCTC-3'
Protein context (NP_006222.2, residues 2137-2157): EFSEEAQFRD[Pro2147Leu]CRSYVLPEVI